The following is an entry in ClinVar:

NM_001130144.3(LTBP3):c.457G>A (p.Gly153Ser)

Gene: LTBP3 (latent transforming growth factor beta binding protein 3; minus strand). Cytogenetic location: 11q13.1.
Variant type: single nucleotide variant.
Coding change: c.457G>A on transcript NM_001130144.3 (MANE Select); coding-DNA position 457, G replaced by A.
Protein change: p.Gly153Ser; replaces glycine 153 with serine.
Molecular consequence: missense variant.
Genome position (GRCh38, 1-based): chr11:65,554,255, C>T on the plus strand (G>A on the coding strand, the complement: LTBP3 is on the minus strand). VCF-style: chr11-65554255-C-T. GRCh37 (hg19) VCF-style: chr11-65321726-C-T.
Other names: p.Gly153Ser; c.106G>A, p.Gly36Ser (NM_001164266.1); c.457G>A, p.Gly153Ser (NM_021070.4); short protein forms G153S, G36S.
Identifiers: ClinVar variation 464027 (VCV000464027.12), dbSNP rs373381192, ClinGen allele CA6101229.

ClinVar aggregate classification (germline): Uncertain significance. Review status: criteria provided, multiple submitters, no conflicts (2 of 4 stars). 5 submissions from 5 submitters: Uncertain significance (5). Last evaluated 2026-01-27.

Conditions:
Inborn genetic diseases. Identifiers: MedGen C0950123, MeSH D030342.
LTBP3-related disorder. Also called: LTBP3-related condition.
Brachyolmia-amelogenesis imperfecta syndrome. Also called: Tooth agenesis, selective, 6; Dental anomalies and short stature; PLATYSPONDYLY WITH AMELOGENESIS IMPERFECTA. Identifiers: Orphanet 2899, MedGen C1832594, MONDO:0011018, OMIM 601216. Disease mechanism: loss of function.

Allele frequency attached by ClinVar (database versions not stated): ESP Exome Variant Server 0.00017; ExAC 0.00031; gnomAD 0.00054; TOPMed 0.00057; 1000 Genomes Project 0.00060; 1000 Genomes Project 30x 0.00078.

Submissions (5):

Labcorp Genetics (formerly Invitae), Labcorp
Classification: Uncertain significance for Brachyolmia-amelogenesis imperfecta syndrome. Last evaluated: 2026-01-27. Review status: criteria provided, single submitter. Criteria: Invitae Variant Classification Sherloc (09022015). Collection method: clinical testing. Allele origin: germline.
Comment: This sequence change replaces glycine, which is neutral and non-polar, with serine, which is neutral and polar, at codon 153 of the LTBP3 protein (p.Gly153Ser). This variant is present in population databases (rs373381192, gnomAD 0.07%). This variant has not been reported in the literature in individuals affected with LTBP3-related conditions. ClinVar contains an entry for this variant (Variation ID: 464027). An algorithm developed to predict the effect of missense changes on protein structure and function outputs the following: PolyPhen-2: "Benign". The serine amino acid residue is found in multiple mammalian species, which suggests that this missense change does not adversely affect protein function. In summary, the available evidence is currently insufficient to determine the role of this variant in disease. Therefore, it has been classified as a Variant of Uncertain Significance.

Mayo Clinic Laboratories, Mayo Clinic
Classification: Uncertain significance. Last evaluated: 2025-06-30. Review status: criteria provided, single submitter. Criteria: ACMG Guidelines, 2015. Collection method: clinical testing. Allele origin: germline. Observed: 2 variant alleles.
Comment: BP4

PreventionGenetics, part of Exact Sciences
Classification: Uncertain significance for LTBP3-related condition. Last evaluated: 2023-08-23. Review status: criteria provided, single submitter. Criteria: ACMG Guidelines, 2015. Collection method: clinical testing. Allele origin: germline.
Comment: The LTBP3 c.457G>A variant is predicted to result in the amino acid substitution p.Gly153Ser. To our knowledge, this variant has not been reported in the literature. This variant is reported in 0.068% of alleles in individuals of European (Non-Finnish) descent in gnomAD. At this time, the clinical significance of this variant is uncertain due to the absence of conclusive functional and genetic evidence.

Ambry Genetics
Classification: Uncertain significance for Inborn genetic diseases. Last evaluated: 2023-02-27. Review status: criteria provided, single submitter. Criteria: Ambry Variant Classification Scheme 2023. Collection method: clinical testing. Allele origin: germline.

Breakthrough Genomics
Classification: Uncertain significance. Review status: criteria provided, single submitter. Criteria: ACMG Guidelines, 2015. Collection method: not provided. Allele origin: germline. Inheritance: Autosomal recessive inheritance. Affected: yes.